The following is an entry in ClinVar:

ClinVar aggregate classification (germline): Uncertain significance. Review status: criteria provided, multiple submitters, no conflicts (2 of 4 stars). 6 submissions from 6 submitters: Uncertain significance (5). 1 of the submissions does not count toward it. Last evaluated 2025-12-15.

Conditions:
Epidermolysis bullosa simplex 5C, with pyloric atresia (EBS5C). Also called: PLEC1-Related Epidermolysis Bullosa with Pyloric Atresia; PLEC-Related Epidermolysis Bullosa with Pyloric Atresia; Epidermolysis bullosa simplex with pyloric atresia. Identifiers: Orphanet 158684, MedGen C2677349, MONDO:0012807, OMIM 612138.
Epidermolysis bullosa simplex 5B, with muscular dystrophy (EBS5B). Also called: Epidermolysis bullosa simplex with muscular dystrophy; EPIDERMOLYSIS BULLOSA SIMPLEX AND LIMB-GIRDLE MUSCULAR DYSTROPHY. Identifiers: Orphanet 257, MedGen C2931072, MONDO:0009181, OMIM 226670.
Autosomal recessive limb-girdle muscular dystrophy type 2Q (LGMDR17). Also called: MUSCULAR DYSTROPHY, LIMB-GIRDLE, AUTOSOMAL RECESSIVE 17. Identifiers: Orphanet 254361, MedGen C3150989, MONDO:0013390, OMIM 613723.
Epidermolysis bullosa simplex with nail dystrophy (EBS5D). Identifiers: MedGen C4225309, MONDO:0014661, OMIM 616487.
Epidermolysis bullosa simplex, Ogna type (EBS5A). Also called: Pidermolysis bullosa simplex 5A, Ogna type; EPIDERMOLYSIS BULLOSA SIMPLEX 5A, OGNA TYPE. Identifiers: Orphanet 79401, MedGen C0432317, MONDO:0007555, OMIM 131950.
PLEC-related disorder. Also called: PLEC-related condition; PLEC-related disorders.
Inborn genetic diseases. Identifiers: MedGen C0950123, MeSH D030342.

Allele frequency attached by ClinVar (database versions not stated): gnomAD exomes 0.00007 and 0.00013; ExAC 0.00011; ESP Exome Variant Server 0.00031; gnomAD 0.00044 and 0.00048; TOPMed 0.00048; 1000 Genomes Project 30x 0.00094; 1000 Genomes Project 0.00100.
gnomAD v4.1: 167 of 1,611,444 alleles (0.01%); highest among the groups gnomAD compares: African/African-American, 0.16%; no homozygotes.

Submissions (6):

Labcorp Genetics (formerly Invitae), Labcorp
Classification: Uncertain significance for Autosomal recessive limb-girdle muscular dystrophy type 2Q; Epidermolysis bullosa simplex, Ogna type; Epidermolysis bullosa simplex with nail dystrophy; Epidermolysis bullosa simplex 5C, with pyloric atresia; Epidermolysis bullosa simplex 5B, with muscular dystrophy. Last evaluated: 2025-12-15. Review status: criteria provided, single submitter. Criteria: Invitae Variant Classification Sherloc (09022015). Collection method: clinical testing. Allele origin: germline.
Comment: This sequence change replaces aspartic acid, which is acidic and polar, with asparagine, which is neutral and polar, at codon 929 of the PLEC protein (p.Asp929Asn). This variant is present in population databases (rs199833127, gnomAD 0.2%). This variant has not been reported in the literature in individuals affected with PLEC-related conditions. ClinVar contains an entry for this variant (Variation ID: 471559). Invitae Evidence Modeling of protein sequence and biophysical properties (such as structural, functional, and spatial information, amino acid conservation, physicochemical variation, residue mobility, and thermodynamic stability) has been performed for this missense variant. However, the output from this modeling did not meet the statistical confidence thresholds required to predict the impact of this variant on PLEC protein function. In summary, the available evidence is currently insufficient to determine the role of this variant in disease. Therefore, it has been classified as a Variant of Uncertain Significance.

Ambry Genetics
Classification: Uncertain significance for Inborn genetic diseases. Last evaluated: 2025-08-31. Review status: criteria provided, single submitter. Criteria: Ambry Variant Classification Scheme 2023. Collection method: clinical testing. Allele origin: germline.

GeneDx
Classification: Uncertain significance. Last evaluated: 2025-07-07. Review status: criteria provided, single submitter. Criteria: GeneDx Variant Classification Process June 2021. Collection method: clinical testing. Allele origin: germline. Affected: yes.
Comment: In silico analysis supports that this missense variant has a deleterious effect on protein structure/function; Missense variant in a gene in which most reported pathogenic variants are truncating/loss of function; Has not been previously published as pathogenic or benign to our knowledge

Revvity Omics, Revvity
Classification: Uncertain significance. Last evaluated: 2021-08-18. Review status: criteria provided, single submitter. Criteria: ACMG Guidelines, 2015. Collection method: clinical testing. Allele origin: germline.

Eurofins Ntd Llc (ga)
Classification: Uncertain significance. Last evaluated: 2017-11-15. Review status: criteria provided, single submitter. Criteria: EGL Classification Definitions 2015. Collection method: clinical testing. Allele origin: germline. Observed: 7 variant alleles, 7 heterozygotes.

PreventionGenetics, part of Exact Sciences
Classification: Likely benign for PLEC-related condition. Last evaluated: 2024-09-27. Review status: no assertion criteria provided. Collection method: clinical testing. Allele origin: germline. Not counted in ClinVar's aggregate classification.
Comment: This variant is classified as likely benign based on ACMG/AMP sequence variant interpretation guidelines (Richards et al. 2015 PMID: 25741868, with internal and published modifications).

NM_201384.3(PLEC):c.2704G>A (p.Asp902Asn)

Gene: PLEC (plectin; minus strand). Cytogenetic location: 8q24.3.
Variant type: single nucleotide variant.
Coding change: c.2704G>A on transcript NM_201384.3 (MANE Select); coding-DNA position 2704, G replaced by A.
Protein change: p.Asp902Asn; replaces aspartic acid 902 with asparagine.
Molecular consequence: missense variant.
Genome position (GRCh38, 1-based): chr8:143,929,971, C>T on the plus strand (G>A on the coding strand, the complement: PLEC is on the minus strand). VCF-style: chr8-143929971-C-T. GRCh37 (hg19) VCF-style: chr8-145004139-C-T.
Other names: c.2785G>A, p.Asp929Asn (NM_000445.5); c.2662G>A, p.Asp888Asn (NM_201378.4); c.2638G>A, p.Asp880Asn (NM_201379.3); c.3115G>A, p.Asp1039Asn (NM_201380.4); c.2608G>A, p.Asp870Asn (NM_201381.3); c.2704G>A, p.Asp902Asn (NM_201382.4); c.2716G>A, p.Asp906Asn (NM_201383.3); c.2785G>A (NM_000445.3); short protein forms D906N, D929N, D1039N, D902N, D870N, D880N, D888N.
Identifiers: ClinVar variation 471559 (VCV000471559.24), dbSNP rs199833127, ClinGen allele CA4927409.